The following is an entry in ClinVar:

ClinVar aggregate classification (germline): Pathogenic (1 of 4 stars; one submission).

Conditions:
Joubert syndrome 26 (JBTS26). Identifiers: Orphanet 475, MedGen C4084843, MONDO:0014771, OMIM 616784.

Submission:

Women's Health and Genetics/Laboratory Corporation of America, LabCorp
Classification: Pathogenic for Joubert syndrome 26. Last evaluated: 2024-03-13. Review status: criteria provided, single submitter. Criteria: LabCorp Variant Classification Summary - May 2015. Collection method: clinical testing. Allele origin: germline.
Comment: Variant summary: The variant involves the deletion of exon 2 in the KATNIP gene. A presumed nomenclature of c.(7+1_8-1)_(63+1_64-1)del has been designated for the purposes of this classification. This Copy Number Variant (CNV) is expected to alter the reading frame and predicted to result in a truncation or absence of the encoded protein due to nonsense mediated decay (NMD). A large deletion variant (size 6,045 bp) which encompasses exon 2 of the KATNIP gene was found in 7/126092 alleles (all heterozygotes, allele frequency: 0.00005552) in the gnomAD database (Structural Variants v4.0 dataset). To our knowledge, no occurrence of c.(7+1_8-1)_(63+1_64-1)del in individuals affected with Joubert Syndrome 26 and no experimental evidence demonstrating its impact on protein function have been reported. No submitters have cited clinical-significance assessments for this variant to ClinVar. Based on the evidence outlined above, the variant was classified as pathogenic.

NC_000016.9:g.(27561499_27585221)_(27585278_27629745)del

Gene: KATNIP (katanin interacting protein; plus strand). Cytogenetic location: 16p12.1.
Variant type: Deletion.
Identifiers: ClinVar variation 3233461 (VCV003233461.2).